The following is an entry in ClinVar:

NM_053025.4(MYLK):c.2065G>A (p.Asp689Asn)

Gene: MYLK (myosin light chain kinase; minus strand). Cytogenetic location: 3q21.1.
Variant type: single nucleotide variant.
Coding change: c.2065G>A on transcript NM_053025.4 (MANE Select); coding-DNA position 2065, G replaced by A.
Protein change: p.Asp689Asn; replaces aspartic acid 689 with asparagine.
Molecular consequence: missense variant.
Genome position (GRCh38, 1-based): chr3:123,708,773, C>T on the plus strand (G>A on the coding strand, the complement: MYLK is on the minus strand). VCF-style: chr3-123708773-C-T. GRCh37 (hg19) VCF-style: chr3-123427620-C-T.
Other names: c.1537G>A, p.Asp513Asn (NM_001321309.2); c.1858G>A, p.Asp620Asn (NM_053026.4, NM_053028.4); c.2065G>A, p.Asp689Asn (NM_053027.4); short protein forms D513N, D620N, D689N.
Identifiers: ClinVar variation 1466684 (VCV001466684.6), dbSNP rs762903028, ClinGen allele CA354234343.

ClinVar aggregate classification (germline): Uncertain significance (1 of 4 stars; one submission).

Conditions:
Aortic aneurysm, familial thoracic 7 (AAT7). Also called: AORTIC DISSECTION, FAMILIAL, WITH OR WITHOUT AORTIC ANEURYSM. Identifiers: MedGen C3151077, MONDO:0013418, OMIM 613780.

Submission:

Labcorp Genetics (formerly Invitae), Labcorp
Classification: Uncertain significance for Aortic aneurysm, familial thoracic 7. Last evaluated: 2025-09-01. Review status: criteria provided, single submitter. Criteria: Invitae Variant Classification Sherloc (09022015). Collection method: clinical testing. Allele origin: germline.
Comment: This sequence change replaces aspartic acid, which is acidic and polar, with asparagine, which is neutral and polar, at codon 689 of the MYLK protein (p.Asp689Asn). This variant is not present in population databases (gnomAD no frequency). This variant has not been reported in the literature in individuals affected with MYLK-related conditions. ClinVar contains an entry for this variant (Variation ID: 1466684). Invitae Evidence Modeling of protein sequence and biophysical properties (such as structural, functional, and spatial information, amino acid conservation, physicochemical variation, residue mobility, and thermodynamic stability) has been performed for this missense variant. However, the output from this modeling did not meet the statistical confidence thresholds required to predict the impact of this variant on MYLK protein function. In summary, the available evidence is currently insufficient to determine the role of this variant in disease. Therefore, it has been classified as a Variant of Uncertain Significance.